The following is an entry in ClinVar:

NM_004036.5(ADCY3):c.2298C>T (p.Ile766=)

Gene: ADCY3 (adenylate cyclase 3; minus strand). Cytogenetic location: 2p23.3.
Variant type: single nucleotide variant.
Coding change: c.2298C>T on transcript NM_004036.5 (MANE Select); coding-DNA position 2298, C replaced by T.
Protein change: p.Ile766=; no amino-acid change (isoleucine 766 retained).
Molecular consequence: synonymous variant. On other transcripts: intron variant (2).
Genome position (GRCh38, 1-based): chr2:24,828,036, G>A on the plus strand (C>T on the coding strand, the complement: ADCY3 is on the minus strand). VCF-style: chr2-24828036-G-A. GRCh37 (hg19) VCF-style: chr2-25050905-G-A.
Other names: c.2298C>T, p.Ile766= (NM_001320613.2, NM_001377132.1); c.2364C>T, p.Ile788= (NM_001377128.1); c.1575C>T, p.Ile525= (NM_001377131.1); c.2172+2673C>T (NM_001377130.1); c.2173-13C>T (NM_001377129.1).
Identifiers: ClinVar variation 3352885 (VCV003352885.1).
Genomic context (GRCh38, chr2:24,828,036, plus strand): 5'-GGCGCCTGCGACGAGCAGCATGAGCGTGAGCTTCACCATGTGGCTGACCTGCACCAGCAT[G>A]ATGGTGGCGATGAGGGACAGCACGGCCACATAGTTGTAATACTTGGGGTTCTCCAGGCAG-3'
Protein context (NP_004027.2, residues 756-776): YVAVLSLIAT[Ile766=]MLVQVSHMVK

ClinVar aggregate classification (germline): Likely benign (0 of 4 stars; one submission).

Conditions:
ADCY3-related disorder. Also called: ADCY3-related condition.

gnomAD v4.1: 20 of 1,614,276 alleles (0.0012%); highest among the groups gnomAD compares: Non-Finnish European, 0.0016%; no homozygotes.

Submission:

PreventionGenetics, part of Exact Sciences
Classification: Likely benign for ADCY3-related condition. Last evaluated: 2024-04-17. Review status: no assertion criteria provided. Collection method: clinical testing. Allele origin: germline.
Comment: This variant is classified as likely benign based on ACMG/AMP sequence variant interpretation guidelines (Richards et al. 2015 PMID: 25741868, with internal and published modifications).